The following is an entry in ClinVar:

NM_144599.5(NIPA1):c.126C>A (p.Asn42Lys)

Genes: NIPA1 (NIPA magnesium transporter 1; plus strand), LOC130056709 (ATAC-STARR-seq lymphoblastoid silent region 6259; plus strand). Cytogenetic location: 15q11.2.
Variant type: single nucleotide variant.
Coding change: c.126C>A on transcript NM_144599.5 (MANE Select); coding-DNA position 126, C replaced by A.
Protein change: p.Asn42Lys; replaces asparagine 42 with lysine.
Molecular consequence: missense variant. On other transcripts: intron variant (1).
Genome position (GRCh38, 1-based): chr15:22,786,782, C>A. VCF-style: chr15-22786782-C-A. GRCh37 (hg19) VCF-style: chr15-23086286-G-T.
Other names: c.-48+534C>A (NM_001142275.1); short protein forms N42K.
Identifiers: ClinVar variation 5003093 (VCV005003093.1).

ClinVar aggregate classification (germline): Uncertain significance (1 of 4 stars; one submission).

Conditions:
Hereditary spastic paraplegia 6 (SPG6). Also called: SPASTIC PARAPLEGIA 6, AUTOSOMAL DOMINANT. Identifiers: Orphanet 100988, MedGen C1838192, MONDO:0010878, OMIM 600363.

Submission:

OLLIN Analises Genomicas, OLLIN
Classification: Uncertain significance for Hereditary spastic paraplegia 6. Last evaluated: 2026-08-06. Review status: criteria provided, single submitter. Criteria: ACMG Guidelines 2015 PMID 25741868. Collection method: clinical testing. Allele origin: germline.
Comment: This missense variant, located in exon 1 (of 5), is absent from gnomAD and ClinVar and has not been identified in the literature. In silico analysis is inconclusive regarding the impact of this variant. According to the currently available evidence, this variant has been classified as uncertain significance (PM2_P).